The following is an entry in ClinVar:

ClinVar aggregate classification (germline): Conflicting classifications of pathogenicity. Review status: criteria provided, conflicting classifications (1 of 4 stars). 3 submissions from 3 submitters: Uncertain significance (2); Likely benign (1). Last evaluated 2025-03-06.

Conditions:
Inborn genetic diseases. Identifiers: MedGen C0950123, MeSH D030342.

Allele frequency attached by ClinVar (database versions not stated): gnomAD exomes 0.00001; gnomAD 0.00003; TOPMed 0.00003.
gnomAD v4.1: 17 of 1,536,680 alleles (0.0011%); highest among the groups gnomAD compares: Middle Eastern, 0.033%; no homozygotes.

Submissions (3):

GeneDx
Classification: Uncertain significance. Last evaluated: 2025-03-06. Review status: criteria provided, single submitter. Criteria: GeneDx Variant Classification Process June 2021. Collection method: clinical testing. Allele origin: germline. Affected: yes.
Comment: Has not been previously published as pathogenic or benign to our knowledge; In silico analysis indicates that this missense variant does not alter protein structure/function

Ambry Genetics
Classification: Uncertain significance for Inborn genetic diseases. Last evaluated: 2025-01-20. Review status: criteria provided, single submitter. Criteria: Ambry Variant Classification Scheme 2023. Collection method: clinical testing. Allele origin: germline.

Labcorp Genetics (formerly Invitae), Labcorp
Classification: Likely benign. Last evaluated: 2022-12-26. Review status: criteria provided, single submitter. Criteria: Invitae Variant Classification Sherloc (09022015). Collection method: clinical testing. Allele origin: germline.

NM_001378183.1(PIEZO2):c.4657G>A (p.Ala1553Thr)

Gene: PIEZO2 (piezo type mechanosensitive ion channel component 2; minus strand). Cytogenetic location: 18p11.22.
Variant type: single nucleotide variant.
Coding change: c.4657G>A on transcript NM_001378183.1 (MANE Select); coding-DNA position 4657, G replaced by A.
Protein change: p.Ala1553Thr; replaces alanine 1553 with threonine.
Molecular consequence: missense variant.
Genome position (GRCh38, 1-based): chr18:10,741,082, C>T on the plus strand (G>A on the coding strand, the complement: PIEZO2 is on the minus strand). VCF-style: chr18-10741082-C-T. GRCh37 (hg19) VCF-style: chr18-10741080-C-T.
Other names: c.4657G>A, p.Ala1553Thr (NM_001410871.1); c.4582G>A, p.Ala1528Thr (NM_022068.4); c.4582G>A (NM_022068.2); short protein forms A1528T, A1553T.
Identifiers: ClinVar variation 2719891 (VCV002719891.5), dbSNP rs766911756, ClinGen allele CA401916164.